The following is an entry in ClinVar:

ClinVar aggregate classification (germline): Uncertain significance. Review status: criteria provided, multiple submitters, no conflicts (2 of 4 stars). 2 submissions from 2 submitters: Uncertain significance (2). Last evaluated 2024-08-04.

Allele frequency attached by ClinVar (database versions not stated): gnomAD exomes below 0.00001.

Submissions (2):

Labcorp Genetics (formerly Invitae), Labcorp
Classification: Uncertain significance. Last evaluated: 2024-08-04. Review status: criteria provided, single submitter. Criteria: Invitae Variant Classification Sherloc (09022015). Collection method: clinical testing. Allele origin: germline.
Comment: This sequence change replaces proline, which is neutral and non-polar, with alanine, which is neutral and non-polar, at codon 83 of the HNF1A protein (p.Pro83Ala). This variant is present in population databases (no rsID available, gnomAD 0.003%). This variant has not been reported in the literature in individuals affected with HNF1A-related conditions. ClinVar contains an entry for this variant (Variation ID: 1320772). Advanced modeling of protein sequence and biophysical properties (such as structural, functional, and spatial information, amino acid conservation, physicochemical variation, residue mobility, and thermodynamic stability) performed at Invitae indicates that this missense variant is not expected to disrupt HNF1A protein function with a negative predictive value of 80%. In summary, the available evidence is currently insufficient to determine the role of this variant in disease. Therefore, it has been classified as a Variant of Uncertain Significance.

GeneDx
Classification: Uncertain significance. Last evaluated: 2019-07-22. Review status: criteria provided, single submitter. Criteria: GeneDx Variant Classification Process June 2021. Collection method: clinical testing. Allele origin: germline. Affected: yes.
Comment: Not observed at a significant frequency in large population cohorts (Lek et al., 2016); In silico analysis, which includes protein predictors and evolutionary conservation, supports a deleterious effect; Has not been previously published as pathogenic or benign to our knowledge

NM_000545.8(HNF1A):c.247C>G (p.Pro83Ala)

Gene: HNF1A (HNF1 homeobox A; plus strand). Cytogenetic location: 12q24.31.
Variant type: single nucleotide variant.
Coding change: c.247C>G on transcript NM_000545.8 (MANE Select); coding-DNA position 247, C replaced by G.
Protein change: p.Pro83Ala; replaces proline 83 with alanine.
Molecular consequence: missense variant.
Genome position (GRCh38, 1-based): chr12:120,979,015, C>G. VCF-style: chr12-120979015-C-G. GRCh37 (hg19) VCF-style: chr12-121416818-C-G.
Other names: c.247C>G, p.Pro83Ala (NM_001306179.2); short protein forms P83A.
Identifiers: ClinVar variation 1320772 (VCV001320772.3), dbSNP rs1201174446, ClinGen allele CA386954031.